The following is an entry in ClinVar:

NM_000052.7(ATP7A):c.610+2T>C

Gene: ATP7A (ATPase copper transporting alpha; plus strand). Cytogenetic location: Xq21.1.
Variant type: single nucleotide variant.
Coding change: c.610+2T>C on transcript NM_000052.7 (MANE Select); the canonical splice donor site of the intron after coding-DNA position 610, T replaced by C.
Molecular consequence: splice donor variant.
Genome position (GRCh38, 1-based): chrX:77,988,733, T>C. VCF-style: chrX-77988733-T-C. GRCh37 (hg19) VCF-style: chrX-77244229-T-C.
Other names: c.610+2T>C (NM_001282224.2).
Identifiers: ClinVar variation 2028181 (VCV002028181.4), dbSNP rs2522290776, ClinGen allele CA413600404.

ClinVar aggregate classification (germline): Likely pathogenic (1 of 4 stars; one submission).

Conditions:
Menkes kinky-hair syndrome (MNK). Also called: Copper transport disease; Menkes Disease; Classic Menkes Disease. Identifiers: Orphanet 565, MedGen C0022716, MONDO:0010651, OMIM 309400.
Cutis laxa, X-linked (OHS). Also called: EDS IX; Occipital horn syndrome. Identifiers: Orphanet 198, MedGen C0268353, MONDO:0010572, OMIM 304150.
X-linked distal spinal muscular atrophy type 3. Also called: ATP7A-Related Distal Motor Neuropathy; SPINAL MUSCULAR ATROPHY, DISTAL, X-LINKED RECESSIVE; NEURONOPATHY, DISTAL HEREDITARY MOTOR, X-LINKED; NEUROPATHY, DISTAL HEREDITARY MOTOR, X-LINKED. Identifiers: Orphanet 139557, MedGen C1845359, MONDO:0010338, OMIM 300489.

Submission:

Labcorp Genetics (formerly Invitae), Labcorp
Classification: Likely pathogenic for X-linked distal spinal muscular atrophy type 3; Cutis laxa, X-linked; Menkes kinky-hair syndrome. Last evaluated: 2022-08-31. Review status: criteria provided, single submitter. Criteria: Invitae Variant Classification Sherloc (09022015). Collection method: clinical testing. Allele origin: germline.
Comment: In summary, the currently available evidence indicates that the variant is pathogenic, but additional data are needed to prove that conclusively. Therefore, this variant has been classified as Likely Pathogenic. Algorithms developed to predict the effect of sequence changes on RNA splicing suggest that this variant may disrupt the consensus splice site. This variant has not been reported in the literature in individuals affected with ATP7A-related conditions. This variant is not present in population databases (gnomAD no frequency). This sequence change affects a donor splice site in intron 3 of the ATP7A gene. It is expected to disrupt RNA splicing. Variants that disrupt the donor or acceptor splice site typically lead to a loss of protein function (PMID: 16199547), and loss-of-function variants in ATP7A are known to be pathogenic (PMID: 11241493, 20652413).

Literature cited by the submitters: PubMed 16199547; PubMed 11241493; PubMed 20652413.